The following is an entry in ClinVar:

NM_052963.3(TOP1MT):c.1369C>T (p.Arg457Ter)

Gene: TOP1MT (DNA topoisomerase I mitochondrial; minus strand). Cytogenetic location: 8q24.3.
Variant type: single nucleotide variant.
Coding change: c.1369C>T on transcript NM_052963.3 (MANE Select); coding-DNA position 1369, C replaced by T.
Protein change: p.Arg457Ter; replaces arginine 457 with a stop codon.
Molecular consequence: nonsense.
Genome position (GRCh38, 1-based): chr8:143,316,088, G>A on the plus strand (C>T on the coding strand, the complement: TOP1MT is on the minus strand). VCF-style: chr8-143316088-G-A. GRCh37 (hg19) VCF-style: chr8-144398258-G-A.
Other names: c.1075C>T, p.Arg359Ter (NM_001258446.1, NM_001258447.1); short protein forms R359*, R457*.
Identifiers: ClinVar variation 2161755 (VCV002161755.4), dbSNP rs200573878, ClinGen allele CA4908332.

ClinVar aggregate classification (germline): Uncertain significance (1 of 4 stars; one submission).

Allele frequency attached by ClinVar (database versions not stated): ExAC 0.00004; ESP Exome Variant Server 0.00008; gnomAD 0.00009; 1000 Genomes Project 0.00040; 1000 Genomes Project 30x 0.00047.
gnomAD v4.1: 37 of 1,614,162 alleles (0.0023%); highest among the groups gnomAD compares: African/African-American, 0.033%; no homozygotes.

Submission:

Labcorp Genetics (formerly Invitae), Labcorp
Classification: Uncertain significance. Last evaluated: 2024-11-18. Review status: criteria provided, single submitter. Criteria: Invitae Variant Classification Sherloc (09022015). Collection method: clinical testing. Allele origin: germline.
Comment: This sequence change creates a premature translational stop signal (p.Arg457*) in the TOP1MT gene. It is expected to result in an absent or disrupted protein product. However, the current clinical and genetic evidence is not sufficient to establish whether loss-of-function variants in TOP1MT cause disease. This variant is present in population databases (rs200573878, gnomAD 0.03%). This variant has not been reported in the literature in individuals affected with TOP1MT-related conditions. ClinVar contains an entry for this variant (Variation ID: 2161755). Algorithms developed to predict the effect of sequence changes on RNA splicing suggest that this variant may disrupt the consensus splice site. In summary, the available evidence is currently insufficient to determine the role of this variant in disease. Therefore, it has been classified as a Variant of Uncertain Significance.